The following is an entry in ClinVar:

NM_000051.4(ATM):c.7806A>C (p.Ala2602=)

Genes: ATM (ATM serine/threonine kinase; plus strand), C11orf65 (chromosome 11 open reading frame 65; minus strand). Cytogenetic location: 11q22.3.
Variant type: single nucleotide variant.
Coding change: c.7806A>C on transcript NM_000051.4 (MANE Select); coding-DNA position 7806, A replaced by C.
Protein change: p.Ala2602=; no amino-acid change (alanine 2602 retained).
Molecular consequence: synonymous variant. On other transcripts: intron variant (2).
Genome position (GRCh38, 1-based): chr11:108,332,779, A>C. VCF-style: chr11-108332779-A-C. GRCh37 (hg19) VCF-style: chr11-108203506-A-C.
Other names: c.7806A>C, p.Ala2602= (NM_001351834.2); c.641-23708T>G (NM_001330368.2); c.*38+2441T>G (NM_001351110.2).
Identifiers: ClinVar variation 3254275 (VCV003254275.1), dbSNP rs2136561944.

ClinVar aggregate classification (germline): Benign (1 of 4 stars; one submission).

Conditions:
Familial cancer of breast. Also called: hereditary breast carcinoma; BREAST CANCER, FAMILIAL; Hereditary breast cancer. Identifiers: Orphanet 227535, MedGen C0346153, MONDO:0016419, OMIM 114480. Disease mechanism: loss of function.

Submission:

Myriad Genetics, Inc.
Classification: Benign for Familial cancer of breast. Last evaluated: 2024-06-17. Review status: criteria provided, single submitter. Criteria: Myriad Autosomal Dominant, Autosomal Recessive and X-Linked Classification Criteria (2023). Collection method: clinical testing. Allele origin: unknown.
Comment: This variant is considered benign. This variant is a silent/synonymous amino acid change and it is not expected to impact splicing.